The following is an entry in ClinVar:

ClinVar aggregate classification (germline): Uncertain significance (1 of 4 stars; one submission).

Conditions:
Neuropathy, hereditary sensory and autonomic, type 2A (HSAN2A). Also called: HSAN IIA; WNK1-Related HSAN2 (HSAN2A); ACROOSTEOLYSIS, GIACCAI TYPE; ACROOSTEOLYSIS, NEUROGENIC; MORVAN DISEASE; NEUROPATHY, CONGENITAL SENSORY. Identifiers: Orphanet 970, MedGen C2752089, MONDO:0024309, OMIM 201300.
Pseudohypoaldosteronism type 2C (PHA2C). Also called: Pseudohypoaldosteronism Type IIC. Identifiers: Orphanet 757, Orphanet 88940, MedGen C1840391, MONDO:0013778, OMIM 614492.

Allele frequency attached by ClinVar (database versions not stated): gnomAD exomes below 0.00001; gnomAD 0.00001; TOPMed 0.00001; ExAC 0.00002.
gnomAD v4.1: 4 of 1,613,984 alleles (0.00025%); highest among the groups gnomAD compares: African/African-American, 0.004%; no homozygotes.

Submission:

Labcorp Genetics (formerly Invitae), Labcorp
Classification: Uncertain significance for Neuropathy, hereditary sensory and autonomic, type 2A; Pseudohypoaldosteronism type 2C. Last evaluated: 2023-12-19. Review status: criteria provided, single submitter. Criteria: Invitae Variant Classification Sherloc (09022015). Collection method: clinical testing. Allele origin: germline.
Comment: This sequence change replaces alanine, which is neutral and non-polar, with valine, which is neutral and non-polar, at codon 2483 of the WNK1 protein (p.Ala2483Val). This variant is present in population databases (rs745862944, gnomAD 0.01%). This variant has not been reported in the literature in individuals affected with WNK1-related conditions. ClinVar contains an entry for this variant (Variation ID: 1933085). Advanced modeling of protein sequence and biophysical properties (such as structural, functional, and spatial information, amino acid conservation, physicochemical variation, residue mobility, and thermodynamic stability) performed at Invitae indicates that this missense variant is not expected to disrupt WNK1 protein function with a negative predictive value of 95%. In summary, the available evidence is currently insufficient to determine the role of this variant in disease. Therefore, it has been classified as a Variant of Uncertain Significance.

NM_018979.4(WNK1):c.6692C>T (p.Ala2231Val)

Gene: WNK1 (WNK lysine deficient protein kinase 1; plus strand). Cytogenetic location: 12p13.33.
Variant type: single nucleotide variant.
Coding change: c.6692C>T on transcript NM_018979.4 (MANE Select); coding-DNA position 6692, C replaced by T.
Protein change: p.Ala2231Val; replaces alanine 2231 with valine.
Molecular consequence: missense variant.
Genome position (GRCh38, 1-based): chr12:907,895, C>T. VCF-style: chr12-907895-C-T. GRCh37 (hg19) VCF-style: chr12-1017061-C-T.
Other names: c.7472C>T, p.Ala2491Val (NM_001184985.2); c.5948C>T, p.Ala1983Val (NM_014823.3); c.7448C>T, p.Ala2483Val (NM_213655.5); short protein forms A2231V, A2491V, A2483V, A1983V.
Identifiers: ClinVar variation 1933085 (VCV001933085.5), dbSNP rs745862944, ClinGen allele CA6383474.
Genomic context (GRCh38, chr12:907,895, plus strand): 5'-TGCTTATAATAGGAACCAGCAGCACAAACACTGTTGGGGCAACAGTGAACAGCCAAGCCG[C>T]CCAAGCTCAGCCTCCTGCCATGACGTCCAGCAGGAAGGGCACATTCACAGATGACTTGCA-3'
Protein context (NP_061852.3, residues 2221-2241): TVGATVNSQA[Ala2231Val]QAQPPAMTSS